The following is an entry in ClinVar:

NM_005732.4(RAD50):c.3916T>C (p.Ser1306Pro)

Genes: RAD50 (RAD50 double strand break repair protein; plus strand), TH2LCRR (T helper type 2 locus control region associated RNA; minus strand). Cytogenetic location: 5q31.1.
Variant type: single nucleotide variant.
Coding change: c.3916T>C on transcript NM_005732.4 (MANE Select); coding-DNA position 3916, T replaced by C.
Protein change: p.Ser1306Pro; replaces serine 1306 with proline.
Molecular consequence: missense variant.
Genome position (GRCh38, 1-based): chr5:132,642,341, T>C. VCF-style: chr5-132642341-T-C. GRCh37 (hg19) VCF-style: chr5-131978033-T-C.
Other names: short protein forms S1306P.
Identifiers: ClinVar variation 1022162 (VCV001022162.9), dbSNP rs1751746223, ClinGen allele CA360937616.

ClinVar aggregate classification (germline): Uncertain significance (1 of 4 stars; one submission).

Conditions:
Hereditary cancer-predisposing syndrome. Also called: Hereditary Cancer Syndrome; Neoplastic Syndromes, Hereditary; Tumor predisposition; Hereditary neoplastic syndrome. Identifiers: Orphanet 140162, MedGen C0027672, MeSH D009386, MONDO:0015356.

Submission:

Labcorp Genetics (formerly Invitae), Labcorp
Classification: Uncertain significance for Hereditary cancer-predisposing syndrome. Last evaluated: 2020-09-24. Review status: criteria provided, single submitter. Criteria: Invitae Variant Classification Sherloc (09022015). Collection method: clinical testing. Allele origin: germline.
Comment: This variant has not been reported in the literature in individuals with RAD50-related conditions. This sequence change replaces serine with proline at codon 1306 of the RAD50 protein (p.Ser1306Pro). The serine residue is moderately conserved and there is a moderate physicochemical difference between serine and proline. This variant is not present in population databases (ExAC no frequency). Algorithms developed to predict the effect of missense changes on protein structure and function are either unavailable or do not agree on the potential impact of this missense change (SIFT: "Tolerated"; PolyPhen-2: "Probably Damaging"; Align-GVGD: "Class C0"). In summary, the available evidence is currently insufficient to determine the role of this variant in disease. Therefore, it has been classified as a Variant of Uncertain Significance.